The following is an entry in ClinVar:

ClinVar aggregate classification (germline): Uncertain significance (1 of 4 stars; one submission).

Conditions:
Hereditary cancer-predisposing syndrome. Also called: Neoplastic Syndromes, Hereditary; Hereditary neoplastic syndrome; Tumor predisposition; Hereditary Cancer Syndrome. Identifiers: Orphanet 140162, MedGen C0027672, MeSH D009386, MONDO:0015356.

gnomAD v4.1: 1 of 1,596,160 alleles (0.000063%); highest among the groups gnomAD compares: Non-Finnish European, 0.000086%; no homozygotes.

Submission:

Color Diagnostics, LLC DBA Color Health
Classification: Uncertain significance for Hereditary cancer-predisposing syndrome. Last evaluated: 2025-09-09. Review status: criteria provided, single submitter. Criteria: ACMG Guidelines, 2015. Collection method: clinical testing. Allele origin: germline.
Comment: This missense variant replaces proline with arginine at codon 1454 of the BRCA2 protein. Computational prediction suggests that this variant may not impact protein structure and function. To our knowledge, functional studies have not been reported for this variant. This variant has not been reported in individuals affected with BRCA2-related disorders in the literature. This variant has been identified in 1/243274 chromosomes in the general population by the Genome Aggregation Database (gnomAD). The available evidence is insufficient to determine the role of this variant in disease conclusively. Therefore, this variant is classified as a Variant of Uncertain Significance.

NM_000059.4(BRCA2):c.4361C>G (p.Pro1454Arg)

Gene: BRCA2 (BRCA2 DNA repair associated; plus strand). Cytogenetic location: 13q13.1.
Variant type: single nucleotide variant.
Coding change: c.4361C>G on transcript NM_000059.4 (MANE Select); coding-DNA position 4361, C replaced by G.
Protein change: p.Pro1454Arg; replaces proline 1454 with arginine.
Molecular consequence: missense variant. On other transcripts: non-coding transcript variant (1), intron variant (2).
Genome position (GRCh38, 1-based): chr13:32,338,716, C>G. VCF-style: chr13-32338716-C-G. GRCh37 (hg19) VCF-style: chr13-32912853-C-G.
Other names: c.4361C>G, p.Pro1454Arg (NM_001406719.1, NM_001406720.1, NM_001432077.1); c.1909+5329C>G (NM_001406721.1); c.425-5842C>G (NM_001406722.1); short protein forms P1454R.
Identifiers: ClinVar variation 4758655 (VCV004758655.1).
Genomic context (GRCh38, chr13:32,338,716, plus strand): 5'-AAAATATTAGTGTCGCCAAAGAGTCATTTAATAAAATTGTAAATTTCTTTGATCAGAAAC[C>G]AGAAGAATTGCATAACTTTTCCTTAAATTCTGAATTACATTCTGACATAAGAAAGAACAA-3'
Protein context (NP_000050.3, residues 1444-1464): NKIVNFFDQK[Pro1454Arg]EELHNFSLNS